The following is an entry in ClinVar:

ClinVar aggregate classification (germline): Uncertain significance (1 of 4 stars; one submission).

Submission:

GeneDx
Classification: Uncertain significance. Last evaluated: 2025-06-26. Review status: criteria provided, single submitter. Criteria: GeneDx Variant Classification Process June 2021. Collection method: clinical testing. Allele origin: germline. Affected: yes.
Comment: Not observed at significant frequency in large population cohorts (gnomAD); In silico analysis supports a deleterious effect on protein structure/function; Has not been previously published as pathogenic or benign to our knowledge

NM_001282531.3(ADNP):c.163_164delinsTT (p.Asp55Phe)

Gene: ADNP (activity dependent neuroprotector homeobox; minus strand). Cytogenetic location: 20q13.13.
Variant type: Indel.
Coding change: c.163_164delinsTT on transcript NM_001282531.3 (MANE Select); coding-DNA positions 163 to 164, GA replaced by TT.
Protein change: p.Asp55Phe; replaces aspartic acid 55 with phenylalanine.
Molecular consequence: missense variant. On other transcripts: 5 prime UTR variant (1).
Genome position (GRCh38, 1-based): chr20:50,902,054-50,902,055, TC replaced by AA on the plus strand (GA replaced by TT on the coding strand, the reverse complement: ADNP is on the minus strand). VCF-style: chr20-50902054-TC-AA. GRCh37 (hg19) VCF-style: chr20-49518591-TC-AA.
Other names: c.163_164delinsTT, p.Asp55Phe (NM_001282532.2, NM_001347511.2, NM_015339.5 and 1 more transcripts); c.379_380delinsTT, p.Asp127Phe (NM_001439000.1); c.-522_-521delinsTT (NM_001439001.1); short protein forms D127F, D55F.
Identifiers: ClinVar variation 4539896 (VCV004539896.1).
Genomic context (GRCh38, chr20:50,902,054, plus strand): 5'-AGGAAGTCTCCTGTGCCACTTACCTGGTTTTTCGTAAGTGATGGGTCCCACAGTCCTACA[TC>AA]CTCCCATGTAGTGTTTTTCAAATAAAAGTCATTAGGTTCAAATTGTTTAAAATCCTAGAA-3'
Protein context (NP_001269460.1, residues 45-65): DFYLKNTTWE[Asp55Phe]VGLWDPSLTK